The following is an entry in ClinVar:

ClinVar aggregate classification (germline): Benign (1 of 4 stars; one submission).

Conditions:
Cataract 14 multiple types. Also called: CATARACT 14, ZONULAR PULVERULENT; CATARACT 14, NUCLEAR PULVERULENT; CATARACT 14, NUCLEAR PULVERULENT AND POSTERIOR POLAR; CATARACT 14, NUCLEAR CORALLIFORM; CATARACT 14, EMBRYONAL NUCLEAR; CATARACT 14, COPPOCK-LIKE. Identifiers: Orphanet 91492, MedGen C1866078, MONDO:0011162, OMIM 601885.

Allele frequency attached by ClinVar (database versions not stated): gnomAD 0.00070 and 0.00071; TOPMed 0.00085; 1000 Genomes Project 0.00180; 1000 Genomes Project 30x 0.00219.

Submission:

Illumina Laboratory Services, Illumina
Classification: Benign for Cataract 14 multiple types. Last evaluated: 2018-01-13. Review status: criteria provided, single submitter. Criteria: ICSL Variant Classification Criteria 13 December 2019. Collection method: clinical testing. Allele origin: germline.
Comment: This variant was observed in the ICSL laboratory as part of a predisposition screen in an ostensibly healthy population. It had not been previously curated by ICSL or reported in the Human Gene Mutation Database (HGMD: prior to June 1st, 2018), and was therefore a candidate for classification through an automated scoring system. Utilizing variant allele frequency, disease prevalence and penetrance estimates, and inheritance mode, an automated score was calculated to assess if this variant is too frequent to cause the disease. Based on the score and internal cut-off values, a variant classified as benign is not then subjected to further curation. The score for this variant resulted in a classification of benign for this disease.

NM_021954.4(GJA3):c.*1957G>C

Gene: GJA3 (gap junction protein alpha 3; minus strand). Cytogenetic location: 13q12.11.
Variant type: single nucleotide variant.
Coding change: c.*1957G>C on transcript NM_021954.4 (MANE Select); 1957 bases downstream of the stop codon, G replaced by C.
Molecular consequence: 3 prime UTR variant.
Genome position (GRCh38, 1-based): chr13:20,140,024, C>G on the plus strand (G>C on the coding strand, the complement: GJA3 is on the minus strand). VCF-style: chr13-20140024-C-G. GRCh37 (hg19) VCF-style: chr13-20714163-C-G.
Identifiers: ClinVar variation 880721 (VCV000880721.4), dbSNP rs142629563, ClinGen allele CA246468149.